The following is an entry in ClinVar:

ClinVar aggregate classification (germline): Uncertain significance (1 of 4 stars; one submission).

Allele frequency attached by ClinVar (database versions not stated): gnomAD exomes below 0.00001; gnomAD 0.00001; TOPMed 0.00001.
gnomAD v4.1: 2 of 1,613,828 alleles (0.00012%); highest among the groups gnomAD compares: Non-Finnish European, 0.000085%; no homozygotes.

Submission:

Labcorp Genetics (formerly Invitae), Labcorp
Classification: Uncertain significance. Last evaluated: 2024-03-31. Review status: criteria provided, single submitter. Criteria: Invitae Variant Classification Sherloc (09022015). Collection method: clinical testing. Allele origin: germline.
Comment: This sequence change replaces isoleucine, which is neutral and non-polar, with threonine, which is neutral and polar, at codon 803 of the TOP2B protein (p.Ile803Thr). This variant is present in population databases (no rsID available, gnomAD 0.003%). This variant has not been reported in the literature in individuals affected with TOP2B-related conditions. ClinVar contains an entry for this variant (Variation ID: 1524116). An algorithm developed to predict the effect of missense changes on protein structure and function (PolyPhen-2) suggests that this variant is likely to be tolerated. In summary, the available evidence is currently insufficient to determine the role of this variant in disease. Therefore, it has been classified as a Variant of Uncertain Significance.

NM_001330700.2(TOP2B):c.2423T>C (p.Ile808Thr)

Gene: TOP2B (DNA topoisomerase II beta; minus strand). Cytogenetic location: 3p24.2.
Variant type: single nucleotide variant.
Coding change: c.2423T>C on transcript NM_001330700.2 (MANE Select); coding-DNA position 2423, T replaced by C.
Protein change: p.Ile808Thr; replaces isoleucine 808 with threonine.
Molecular consequence: missense variant.
Genome position (GRCh38, 1-based): chr3:25,624,369, A>G on the plus strand (T>C on the coding strand, the complement: TOP2B is on the minus strand). VCF-style: chr3-25624369-A-G. GRCh37 (hg19) VCF-style: chr3-25665860-A-G.
Other names: c.2408T>C, p.Ile803Thr (NM_001068.3); short protein forms I803T, I808T.
Identifiers: ClinVar variation 1524116 (VCV001524116.6), dbSNP rs1361375764, ClinGen allele CA351903055.